The following is an entry in ClinVar:

NM_007103.4(NDUFV1):c.361G>C (p.Glu121Gln)

Gene: NDUFV1 (NADH:ubiquinone oxidoreductase core subunit V1; plus strand). Cytogenetic location: 11q13.2.
Variant type: single nucleotide variant.
Coding change: c.361G>C on transcript NM_007103.4 (MANE Select); coding-DNA position 361, G replaced by C.
Protein change: p.Glu121Gln; replaces glutamic acid 121 with glutamine.
Molecular consequence: missense variant.
Genome position (GRCh38, 1-based): chr11:67,609,486, G>C. VCF-style: chr11-67609486-G-C. GRCh37 (hg19) VCF-style: chr11-67376957-G-C.
Other names: c.334G>C, p.Glu112Gln (NM_001166102.2); short protein forms E112Q, E121Q.
Identifiers: ClinVar variation 4709565 (VCV004709565.1).

ClinVar aggregate classification (germline): Uncertain significance (1 of 4 stars; one submission).

Submission:

Labcorp Genetics (formerly Invitae), Labcorp
Classification: Uncertain significance. Last evaluated: 2025-05-06. Review status: criteria provided, single submitter. Criteria: Invitae Variant Classification Sherloc (09022015). Collection method: clinical testing. Allele origin: germline.
Comment: This sequence change replaces glutamic acid, which is acidic and polar, with glutamine, which is neutral and polar, at codon 121 of the NDUFV1 protein (p.Glu121Gln). This variant is not present in population databases (gnomAD no frequency). This variant has not been reported in the literature in individuals affected with NDUFV1-related conditions. Invitae Evidence Modeling of protein sequence and biophysical properties (such as structural, functional, and spatial information, amino acid conservation, physicochemical variation, residue mobility, and thermodynamic stability) indicates that this missense variant is expected to disrupt NDUFV1 protein function with a positive predictive value of 95%. In summary, the available evidence is currently insufficient to determine the role of this variant in disease. Therefore, it has been classified as a Variant of Uncertain Significance.